The following is an entry in ClinVar:

NM_000458.4(HNF1B):c.498C>T (p.Ala166=)

Gene: HNF1B (HNF1 homeobox B; minus strand). Cytogenetic location: 17q12.
Variant type: single nucleotide variant.
Coding change: c.498C>T on transcript NM_000458.4 (MANE Select); coding-DNA position 498, C replaced by T.
Protein change: p.Ala166=; no amino-acid change (alanine 166 retained).
Molecular consequence: synonymous variant.
Genome position (GRCh38, 1-based): chr17:37,739,486, G>A on the plus strand (C>T on the coding strand, the complement: HNF1B is on the minus strand). VCF-style: chr17-37739486-G-A. GRCh37 (hg19) VCF-style: chr17-36099477-G-A.
Other names: c.498C>T (NM_000458.3); c.498C>T, p.Ala166= (NM_001165923.4, NM_001304286.2, NM_001411100.1).
Identifiers: ClinVar variation 2989441 (VCV002989441.5), dbSNP rs767651202, ClinGen allele CA8519071.
Genomic context (GRCh38, chr17:37,739,486, plus strand): 5'-ATGAAAACACTTACGTCGGAGGATCTCTCGTTGCTTTCTGACGTACCAGGTGTACAGAGC[G>A]GCACGCTTCTGGGTCTTCATAGGGGTGCCCTTGTTGAGATGCTGGGAGAGGTGCGACTGG-3'
Protein context (NP_000449.1, residues 156-176): KGTPMKTQKR[Ala166=]ALYTWYVRKQ

ClinVar aggregate classification (germline): Likely benign. Review status: criteria provided, single submitter (1 of 4 stars). 2 submissions from 2 submitters: Likely benign (1). 1 of the submissions does not count toward it. Last evaluated 2024-08-01.

Conditions:
HNF1B-related disorder. Also called: HNF1B-related condition; HNF1B-related disorders.

Allele frequency attached by ClinVar (database versions not stated): ExAC 0.00001; gnomAD exomes 0.00002; gnomAD 0.00004; TOPMed 0.00006.
gnomAD v4.1: 30 of 1,613,982 alleles (0.0019%); highest among the groups gnomAD compares: African/African-American, 0.011%; no homozygotes.

Submissions (2):

Labcorp Genetics (formerly Invitae), Labcorp
Classification: Likely benign. Last evaluated: 2024-08-01. Review status: criteria provided, single submitter. Criteria: Invitae Variant Classification Sherloc (09022015). Collection method: clinical testing. Allele origin: germline.

PreventionGenetics, part of Exact Sciences
Classification: Likely benign for HNF1B-related condition. Last evaluated: 2020-05-21. Review status: no assertion criteria provided. Collection method: clinical testing. Allele origin: germline. Not counted in ClinVar's aggregate classification.
Comment: This variant is classified as likely benign based on ACMG/AMP sequence variant interpretation guidelines (Richards et al. 2015 PMID: 25741868, with internal and published modifications).